The following is an entry in ClinVar:

ClinVar aggregate classification (germline): Uncertain significance. Review status: criteria provided, multiple submitters, no conflicts (2 of 4 stars). 3 submissions from 3 submitters: Uncertain significance (2). 1 of the submissions does not count toward it. Last evaluated 2024-11-08.

Conditions:
Prostate cancer, hereditary, 1 (HPC1). Identifiers: Orphanet 1331, MedGen C4722327, MONDO:0011098, OMIM 601518.
Hereditary cancer-predisposing syndrome. Also called: Neoplastic Syndromes, Hereditary; Tumor predisposition; Hereditary neoplastic syndrome; Hereditary Cancer Syndrome. Identifiers: Orphanet 140162, MedGen C0027672, MeSH D009386, MONDO:0015356.

gnomAD v4.1: 2 of 1,614,068 alleles (0.00012%); highest among the groups gnomAD compares: East Asian, 0.0045%; no homozygotes.

Submissions (3):

Ambry Genetics
Classification: Uncertain significance for Hereditary cancer-predisposing syndrome. Last evaluated: 2024-11-08. Review status: criteria provided, single submitter. Criteria: Ambry Variant Classification Scheme 2023. Collection method: clinical testing. Allele origin: germline.
Comment: The p.P193L variant (also known as c.578C>T), located in coding exon 1 of the HOXB13 gene, results from a C to T substitution at nucleotide position 578. The proline at codon 193 is replaced by leucine, an amino acid with similar properties. This amino acid position is not well conserved in available vertebrate species. In addition, this alteration is predicted to be tolerated by in silico analysis. Based on the available evidence, the clinical significance of this variant remains unclear.

Labcorp Genetics (formerly Invitae), Labcorp
Classification: Uncertain significance. Last evaluated: 2022-06-30. Review status: criteria provided, single submitter. Criteria: Invitae Variant Classification Sherloc (09022015). Collection method: clinical testing. Allele origin: germline.
Comment: In summary, the available evidence is currently insufficient to determine the role of this variant in disease. Therefore, it has been classified as a Variant of Uncertain Significance. Algorithms developed to predict the effect of missense changes on protein structure and function (SIFT, PolyPhen-2, Align-GVGD) all suggest that this variant is likely to be tolerated. ClinVar contains an entry for this variant (Variation ID: 690872). This variant has not been reported in the literature in individuals affected with HOXB13-related conditions. This variant is not present in population databases (gnomAD no frequency). This sequence change replaces proline, which is neutral and non-polar, with leucine, which is neutral and non-polar, at codon 193 of the HOXB13 protein (p.Pro193Leu).

Laboratory of Virology, Microbiology,  Quality and Medical Biotechnologies, Faculty of Sciences and Techniques - Mohammedia, Hassan II University of Casablanca
Classification: Uncertain significance for Prostate cancer, hereditary, 1. Review status: no assertion criteria provided. Collection method: clinical testing. Allele origin: somatic. Affected: yes. Not counted in ClinVar's aggregate classification.

NM_006361.6(HOXB13):c.578C>T (p.Pro193Leu)

Gene: HOXB13 (homeobox B13; minus strand). Cytogenetic location: 17q21.32.
Variant type: single nucleotide variant.
Coding change: c.578C>T on transcript NM_006361.6 (MANE Select); coding-DNA position 578, C replaced by T.
Protein change: p.Pro193Leu; replaces proline 193 with leucine.
Molecular consequence: missense variant.
Genome position (GRCh38, 1-based): chr17:48,728,016, G>A on the plus strand (C>T on the coding strand, the complement: HOXB13 is on the minus strand). VCF-style: chr17-48728016-G-A. GRCh37 (hg19) VCF-style: chr17-46805378-G-A.
Other names: short protein forms P193L.
Identifiers: ClinVar variation 690872 (VCV000690872.7), dbSNP rs1597933762, ClinGen allele CA400107143.